The following is an entry in ClinVar:

ClinVar aggregate classification (germline): Conflicting classifications of pathogenicity. Review status: criteria provided, conflicting classifications (1 of 4 stars). 3 submissions from 3 submitters: Uncertain significance (1); Likely benign (2). Last evaluated 2025-08-11.

Conditions:
SCN11A-related disorder. Also called: SCN11A-related condition.
Inborn genetic diseases. Identifiers: MedGen C0950123, MeSH D030342.
Hereditary sensory and autonomic neuropathy type 7. Also called: HSAN VII; Neuropathy, hereditary sensory and autonomic, type VII. Identifiers: Orphanet 391397, MedGen C3809882, MONDO:0014244, OMIM 615548.
Familial episodic pain syndrome with predominantly lower limb involvement. Also called: Episodic pain syndrome, familial, 3. Identifiers: Orphanet 391384, Orphanet 391392, MedGen C3809899, MONDO:0014247, OMIM 615552.

Allele frequency attached by ClinVar (database versions not stated): ExAC 0.00002; gnomAD exomes 0.00003; 1000 Genomes Project 30x 0.00016; gnomAD 0.00017 and 0.00019; TOPMed 0.00017; 1000 Genomes Project 0.00020; ESP Exome Variant Server 0.00031.
gnomAD v4.1: 61 of 1,588,356 alleles (0.0038%); highest among the groups gnomAD compares: African/African-American, 0.078%; no homozygotes.

Submissions (3):

Labcorp Genetics (formerly Invitae), Labcorp
Classification: Uncertain significance for Familial episodic pain syndrome with predominantly lower limb involvement; Hereditary sensory and autonomic neuropathy type 7. Last evaluated: 2025-08-11. Review status: criteria provided, single submitter. Criteria: Invitae Variant Classification Sherloc (09022015). Collection method: clinical testing. Allele origin: germline.
Comment: This sequence change falls in intron 22 of the SCN11A gene. It does not directly change the encoded amino acid sequence of the SCN11A protein. It affects a nucleotide within the consensus splice site. This variant is present in population databases (rs373458111, gnomAD 0.04%). This variant has not been reported in the literature in individuals affected with SCN11A-related conditions. ClinVar contains an entry for this variant (Variation ID: 838971). Variants that disrupt the consensus splice site are a relatively common cause of aberrant splicing (PMID: 17576681, 9536098). Algorithms developed to predict the effect of sequence changes on RNA splicing suggest that this variant is not likely to affect RNA splicing. In summary, the available evidence is currently insufficient to determine the role of this variant in disease. Therefore, it has been classified as a Variant of Uncertain Significance.

PreventionGenetics, part of Exact Sciences
Classification: Likely benign for SCN11A-related condition. Last evaluated: 2025-07-16. Review status: criteria provided, single submitter. Criteria: ACMG Guidelines, 2015. Collection method: clinical testing. Allele origin: germline.
Comment: This variant is classified as likely benign based on ACMG/AMP sequence variant interpretation guidelines (Richards et al. 2015 PMID: 25741868, with internal and published modifications).

Ambry Genetics
Classification: Likely benign for Inborn genetic diseases. Last evaluated: 2020-01-21. Review status: criteria provided, single submitter. Criteria: Ambry Variant Classification Scheme 2023. Collection method: clinical testing. Allele origin: germline.

Literature cited by the submitters: PubMed 17576681 (cited by Labcorp Genetics (formerly Invitae), Labcorp); PubMed 9536098 (cited by Labcorp Genetics (formerly Invitae), Labcorp).

NM_001349253.2(SCN11A):c.3814-3C>T

Gene: SCN11A (sodium voltage-gated channel alpha subunit 11; minus strand). Cytogenetic location: 3p22.2.
Variant type: single nucleotide variant.
Coding change: c.3814-3C>T on transcript NM_001349253.2 (MANE Select); 3 bases into the intron before coding-DNA position 3814, C replaced by T.
Molecular consequence: intron variant.
Genome position (GRCh38, 1-based): chr3:38,867,461, G>A on the plus strand (C>T on the coding strand, the complement: SCN11A is on the minus strand). VCF-style: chr3-38867461-G-A. GRCh37 (hg19) VCF-style: chr3-38908952-G-A.
Other names: c.3814-3C>T (NM_014139.3).
Identifiers: ClinVar variation 838971 (VCV000838971.10), dbSNP rs373458111, ClinGen allele CA2321683.